The following is an entry in ClinVar:

NM_000277.3(PAH):c.299A>G (p.His100Arg)

Gene: PAH (phenylalanine hydroxylase; minus strand). Cytogenetic location: 12q23.2.
Variant type: single nucleotide variant.
Coding change: c.299A>G on transcript NM_000277.3 (MANE Select); coding-DNA position 299, A replaced by G.
Protein change: p.His100Arg; replaces histidine 100 with arginine.
Molecular consequence: missense variant.
Genome position (GRCh38, 1-based): chr12:102,894,788, T>C on the plus strand (A>G on the coding strand, the complement: PAH is on the minus strand). VCF-style: chr12-102894788-T-C. GRCh37 (hg19) VCF-style: chr12-103288566-T-C.
Other names: NM_000277.2(PAH):c.299A>G; c.299A>G, p.His100Arg (NM_001354304.2); short protein forms H100R.
Identifiers: ClinVar variation 306914 (VCV000306914.23), dbSNP rs148393887, ClinGen allele CA6748985.

ClinVar aggregate classification (germline): Uncertain significance. Review status: reviewed by expert panel (3 of 4 stars). 11 submissions from 11 submitters: Uncertain significance (1). 10 of the submissions do not count toward it. Last evaluated 2018-08-10.

Conditions:
Phenylketonuria (PKU). Also called: FOLLING DISEASE; OLIGOPHRENIA PHENYLPYRUVICA; Phenylketonuria (PKU); Phenylketonurias. Identifiers: Orphanet 716, MedGen C0031485, MONDO:0009861, OMIM 261600. Disease mechanism: loss of function.
Inborn genetic diseases. Identifiers: MedGen C0950123, MeSH D030342.

Allele frequency attached by ClinVar (database versions not stated): TOPMed 0.00038; ESP Exome Variant Server 0.00046; ExAC 0.00025; gnomAD 0.00034 and 0.00035; gnomAD exomes 0.00059 and 0.00031.
gnomAD v4.1: 921 of 1,614,066 alleles (0.057%); highest among the groups gnomAD compares: Non-Finnish European, 0.072%; 1 homozygote.

Submissions (11):

ClinGen PAH Variant Curation Expert Panel
Classification: Uncertain significance for Phenylketonuria. Last evaluated: 2018-08-10. Review status: reviewed by expert panel. Criteria: ClinGen PAH ACMG Specifications v1. Collection method: curation. Allele origin: germline. Inheritance: Autosomal recessive inheritance.
Comment: PAH-specific ACMG/AMP criteria applied: BP4: In silico overwhelmingly predict benign. REVEL = 0.553; PP4: Detected in a patient with non PKU hyperphe (PMID:11244681); PM3: H100R detected with IVS10 (PMID:11244681). In summary this variant meets criteria to be classified as uncertain significance for phenylketonuria in an autosomal recessive manner based on the ACMG/AMP criteria applied as specified by the PAH Expert Panel: (BP4, PP4, PM3).

GeneDx
Classification: Uncertain significance. Last evaluated: 2026-03-24. Review status: criteria provided, single submitter. Criteria: GeneDx Variant Classification Process June 2021. Collection method: clinical testing. Allele origin: germline. Not counted in ClinVar's aggregate classification.
Comment: In silico analysis suggests that this missense variant does not alter protein structure/function; This variant is associated with the following publications: (PMID: 25087612, 30311390, 11244681, 32668217, 10598814)

Revvity Omics, Revvity
Classification: Uncertain significance for Phenylketonuria. Last evaluated: 2025-07-17. Review status: criteria provided, single submitter. Criteria: ACMG Guidelines, 2015. Collection method: clinical testing. Allele origin: germline. Not counted in ClinVar's aggregate classification.

Blueprint Genetics
Classification: Uncertain significance. Last evaluated: 2024-11-18. Review status: criteria provided, single submitter. Criteria: ACMG Guidelines, 2015. Collection method: clinical testing. Allele origin: germline. Not counted in ClinVar's aggregate classification.

Labcorp Genetics (formerly Invitae), Labcorp
Classification: Uncertain significance for Phenylketonuria. Last evaluated: 2022-08-18. Review status: criteria provided, single submitter. Criteria: Invitae Variant Classification Sherloc (09022015). Collection method: clinical testing. Allele origin: germline. Not counted in ClinVar's aggregate classification.
Comment: This sequence change replaces histidine, which is basic and polar, with arginine, which is basic and polar, at codon 100 of the PAH protein (p.His100Arg). This variant is present in population databases (rs148393887, gnomAD 0.05%). This missense change has been observed in individual(s) with hyperphenylalaninemia (PMID: 11244681). ClinVar contains an entry for this variant (Variation ID: 306914). Algorithms developed to predict the effect of missense changes on protein structure and function (SIFT, PolyPhen-2, Align-GVGD) all suggest that this variant is likely to be tolerated. In summary, the available evidence is currently insufficient to determine the role of this variant in disease. Therefore, it has been classified as a Variant of Uncertain Significance.

Ambry Genetics
Classification: Uncertain significance for Inborn genetic diseases. Last evaluated: 2022-07-08. Review status: criteria provided, single submitter. Criteria: Ambry Variant Classification Scheme 2023. Collection method: clinical testing. Allele origin: germline. Not counted in ClinVar's aggregate classification.

Women's Health and Genetics/Laboratory Corporation of America, LabCorp
Classification: Uncertain significance. Last evaluated: 2021-01-11. Review status: criteria provided, single submitter. Criteria: LabCorp Variant Classification Summary - May 2015. Collection method: clinical testing. Allele origin: germline. Not counted in ClinVar's aggregate classification.
Comment: Variant summary: PAH c.299A>G (p.His100Arg) results in a non-conservative amino acid change located in the ACT domain (IPR002912) of the encoded protein sequence. Three of five in-silico tools predict a benign effect of the variant on protein function. The variant allele was found at a frequency of 0.00031 in 251456 control chromosomes (gnomAD). This frequency is not significantly higher than expected for a pathogenic variant in PAH causing Phenylalanine Hydroxylase Deficiency (Phenylketonuria) (0.00031 vs 0.0079), allowing no conclusion about variant significance. c.299A>G has been reported in the literature in at least an individual affected with non PKU HPA (Mallolas_1999). This report however, does not provide unequivocal conclusions about association of the variant with Phenylalanine Hydroxylase Deficiency (Phenylketonuria). To our knowledge, no experimental evidence demonstrating an impact on protein function has been reported. Five ClinVar submitters (evaluation after 2014) including an expert panel (ClinGen PAH Variant Curation Expert Panel) cite the variant as uncertain significance. Based on the evidence outlined above, the variant was classified as uncertain significance.

Fulgent Genetics
Classification: Uncertain significance for Phenylketonuria. Last evaluated: 2018-10-31. Review status: criteria provided, single submitter. Criteria: ACMG Guidelines, 2015. Collection method: clinical testing. Allele origin: unknown. Not counted in ClinVar's aggregate classification.

Natera, Inc.
Classification: Uncertain significance for Phenylketonuria. Last evaluated: 2020-01-17. Review status: no assertion criteria provided. Collection method: clinical testing. Allele origin: germline. Not counted in ClinVar's aggregate classification.

Counsyl
Classification: Uncertain significance for Phenylketonuria. Last evaluated: 2017-05-12. Review status: no assertion criteria provided. Collection method: clinical testing. Allele origin: unknown. Not counted in ClinVar's aggregate classification.

Department of Pathology and Laboratory Medicine, Sinai Health System
Classification: Uncertain significance for Phenylketonuria. Review status: no assertion criteria provided. Collection method: clinical testing. Allele origin: unknown. Affected: yes. Study: The Canadian Open Genetics Repository (COGR). Not counted in ClinVar's aggregate classification.
Comment: The PAH c.299A>G (p.His100Arg) variant was identified in ClinVar (classified as a VUS by multiple sources) and dbSNP (rs148393887). The PAH c.299A>G (p.His100Arg) missense variant has been reported in one individual in a compound heterozygous state with a known pathogenic intronic variant (Mallolas et al. 1999). The individual was described as having non-phenylketonuria hyperphenylalaninemia, which is included in the PAH deficiency spectrum. The variant was identified in control databases in 83 of 282, 858 chromosomes (0 homozygous) at a frequency of 0.0293%, and was observed at the highest frequency in the European Non-Finnish population in 129,164 of 282, 858 chromosomes (freq: 0.0503%) (Genome Aggregation Database March 6, 2019, v2.1.1). The p. His100Arg residue is conserved in mammals and computational analyses (MUT Assesor, PolyPhen-2, SIFT, MutationTaster, Revel, FATHMM, MetaLR, DANN) provide inconsistent predictions regarding the impact to the protein; this information is not very predictive of pathogenicity. The variant occurs outside of the splicing consensus sequence and in silico or computational prediction software programs (Splice AI exome) do not predict a deleterious effect on splicing. In summary, based on the above information the clinical significance of this variant cannot be determined with certainty at this time. This variant is classified as a variant of uncertain significance.PAH is associated with autosomal recessive Phenylketonuria (PKU) and non-PKU mild hyperphenylalaninemia (Phenotype MIM number: 261600). PKU is an inborn error of metabolism resulting from a deficiency of phenylalanine hydroxylase (PAH), an enzyme that catalyzes the hydroxylation of phenylalanine to tyrosine, the rate-limiting step in phenylalanine catabolism. If undiagnosed and untreated, phenylketonuria can result in impaired postnatal cognitive development resulting from a neurotoxic effect of hyperphenylalaninemia (Zurfluh et al., 2008).

Literature cited by the submitters: PubMed 11244681 (cited by ClinGen PAH Variant Curation Expert Panel and Labcorp Genetics (formerly Invitae), Labcorp); PubMed 10598814 (cited by 3 submitters); PubMed 32668217 (cited by Ambry Genetics); PubMed 25087612 (cited by Women's Health and Genetics/Laboratory Corporation of America, LabCorp); PubMed 26990548 (cited by Women's Health and Genetics/Laboratory Corporation of America, LabCorp); PubMed 30311390 (cited by Women's Health and Genetics/Laboratory Corporation of America, LabCorp); PubMed 29473999 (cited by Women's Health and Genetics/Laboratory Corporation of America, LabCorp).